The following is an entry in ClinVar:

NM_006030.4(CACNA2D2):c.2503del (p.Val835fs)

Genes: CACNA2D2 (calcium voltage-gated channel auxiliary subunit alpha2delta 2; minus strand), LOC101928965 (uncharacterized LOC101928965; plus strand), LOC127898564 (CYB561D2-LOC101928965; plus strand). Cytogenetic location: 3p21.31.
Variant type: Deletion.
Coding change: c.2503del on transcript NM_006030.4 (MANE Select); coding-DNA position 2503, one base deleted (G; older notation c.2503delG).
Protein change: p.Val835fs; shifts the reading frame from valine 835.
Molecular consequence: frameshift variant.
Genome position (GRCh38, 1-based): chr3:50,366,917, C deleted on the plus strand (G on the coding strand, the reverse complement: CACNA2D2 is on the minus strand); the first of 2 consecutive C bases (chr3:50,366,917-50,366,918); deleting either gives the same sequence. VCF-style (leftmost placement, unchanged base first): chr3-50366916-AC-A. GRCh37 (hg19) VCF-style: chr3-50404347-AC-A.
Other names: c.2503del, p.Val835fs (NM_001005505.3, NM_001410768.1); c.2524del, p.Val842fs (NM_001174051.3); c.2296del, p.Val766fs (NM_001291101.1); short protein forms V835fs, V766fs, V842fs.
Identifiers: ClinVar variation 3652194 (VCV003652194.2).

ClinVar aggregate classification (germline): Pathogenic (1 of 4 stars; one submission).

Conditions:
Early-infantile DEE. Also called: Ohtahara syndrome; Early infantile epileptic encephalopathy; Early infantile epileptic encephalopathy with suppression bursts. Identifiers: Orphanet 1934, MedGen C0393706, MONDO:0800491.

Submission:

Labcorp Genetics (formerly Invitae), Labcorp
Classification: Pathogenic for Early-infantile DEE. Last evaluated: 2024-05-05. Review status: criteria provided, single submitter. Criteria: Invitae Variant Classification Sherloc (09022015). Collection method: clinical testing. Allele origin: germline.
Comment: This sequence change creates a premature translational stop signal (p.Val835Trpfs*7) in the CACNA2D2 gene. It is expected to result in an absent or disrupted protein product. Loss-of-function variants in CACNA2D2 are known to be pathogenic (PMID: 24358150). This variant is not present in population databases (gnomAD no frequency). This variant has not been reported in the literature in individuals affected with CACNA2D2-related conditions. For these reasons, this variant has been classified as Pathogenic.

Literature cited by the submitters: PubMed 24358150.